The following is an entry in ClinVar:

NM_000484.4(APP):c.46C>T (p.Arg16Trp)

Gene: APP (amyloid beta precursor protein; minus strand). Cytogenetic location: 21q21.3.
Variant type: single nucleotide variant.
Coding change: c.46C>T on transcript NM_000484.4 (MANE Select); coding-DNA position 46, C replaced by T.
Protein change: p.Arg16Trp; replaces arginine 16 with tryptophan.
Molecular consequence: missense variant. On other transcripts: intron variant (1).
Genome position (GRCh38, 1-based): chr21:26,170,575, G>A on the plus strand (C>T on the coding strand, the complement: APP is on the minus strand). VCF-style: chr21-26170575-G-A. GRCh37 (hg19) VCF-style: chr21-27542893-G-A.
Other names: p.Arg16Trp; c.46C>T (NM_000484.3); c.46C>T, p.Arg16Trp (NM_001136129.3, NM_001136130.3, NM_001204301.2 and 5 more transcripts); c.-49+410C>T (NM_001136131.3); short protein forms R16W.
Identifiers: ClinVar variation 1038313 (VCV001038313.11), dbSNP rs202070273, ClinGen allele CA9987777.

ClinVar aggregate classification (germline): Uncertain significance. Review status: criteria provided, multiple submitters, no conflicts (2 of 4 stars). 3 submissions from 3 submitters: Uncertain significance (2). 1 of the submissions does not count toward it. Last evaluated 2025-07-31.

Conditions:
APP-related disorder. Also called: APP-related condition.
Alzheimer disease. Also called: Presenile and senile dementia; Alzheimer's disease. Identifiers: Orphanet 1020, MedGen C0002395, MeSH D000544, MONDO:0004975, HP:0002511.

Allele frequency attached by ClinVar (database versions not stated): gnomAD 0.00003; gnomAD exomes 0.00003 and 0.00007; TOPMed 0.00003; ExAC 0.00009.
gnomAD v4.1: 42 of 1,538,594 alleles (0.0027%); highest among the groups gnomAD compares: Non-Finnish European, 0.0037%; no homozygotes.

Submissions (3):

Mayo Clinic Laboratories, Mayo Clinic
Classification: Uncertain significance. Last evaluated: 2025-07-31. Review status: criteria provided, single submitter. Criteria: ACMG Guidelines, 2015. Collection method: clinical testing. Allele origin: germline. Observed: 1 variant allele.

Labcorp Genetics (formerly Invitae), Labcorp
Classification: Uncertain significance for Alzheimer disease. Last evaluated: 2025-04-09. Review status: criteria provided, single submitter. Criteria: Invitae Variant Classification Sherloc (09022015). Collection method: clinical testing. Allele origin: germline.
Comment: This sequence change replaces arginine, which is basic and polar, with tryptophan, which is neutral and slightly polar, at codon 16 of the APP protein (p.Arg16Trp). The frequency data for this variant in the population databases is considered unreliable, as metrics indicate poor data quality at this position in the gnomAD database. This variant has not been reported in the literature in individuals affected with APP-related conditions. ClinVar contains an entry for this variant (Variation ID: 1038313). Invitae Evidence Modeling of protein sequence and biophysical properties (such as structural, functional, and spatial information, amino acid conservation, physicochemical variation, residue mobility, and thermodynamic stability) indicates that this missense variant is not expected to disrupt APP protein function with a negative predictive value of 95%. In summary, the available evidence is currently insufficient to determine the role of this variant in disease. Therefore, it has been classified as a Variant of Uncertain Significance.

PreventionGenetics, part of Exact Sciences
Classification: Uncertain significance for APP-related condition. Last evaluated: 2024-05-20. Review status: no assertion criteria provided. Collection method: clinical testing. Allele origin: germline. Not counted in ClinVar's aggregate classification.
Comment: The APP c.46C>T variant is predicted to result in the amino acid substitution p.Arg16Trp. To our knowledge, this variant has not been reported in the literature. This variant has been reported in 0.0074% of alleles in individuals of European (Non-Finnish) descent in gnomAD. An alternate variant at this codon (p.Arg16Gln) has been observed in a cohort of early onset Alzheimer’s disease patients and classified as a variant of uncertain significance (Table 3S, Koriath et al. 2020. PubMed ID: 30279455). At this time, the clinical significance of this variant is uncertain due to the absence of conclusive functional and genetic evidence.